The following is an entry in ClinVar:

NM_138691.3(TMC1):c.1369T>C (p.Phe457Leu)

Gene: TMC1 (transmembrane channel like 1; plus strand). Cytogenetic location: 9q21.13.
Variant type: single nucleotide variant.
Coding change: c.1369T>C on transcript NM_138691.3 (MANE Select); coding-DNA position 1369, T replaced by C.
Protein change: p.Phe457Leu; replaces phenylalanine 457 with leucine.
Molecular consequence: missense variant.
Genome position (GRCh38, 1-based): chr9:72,792,030, T>C. VCF-style: chr9-72792030-T-C. GRCh37 (hg19) VCF-style: chr9-75406946-T-C.
Other names: short protein forms F457L.
Identifiers: ClinVar variation 47858 (VCV000047858.5), dbSNP rs397517836, ClinGen allele CA142051.

ClinVar aggregate classification (germline): Uncertain significance (1 of 4 stars; one submission).

Allele frequency attached by ClinVar (database versions not stated): gnomAD exomes below 0.00001; ExAC 0.00001.
gnomAD v4.1: 1 of 1,614,158 alleles (0.000062%); no homozygotes.

Submission:

Laboratory for Molecular Medicine, Mass General Brigham Personalized Medicine
Classification: Uncertain significance. Last evaluated: 2011-08-01. Review status: criteria provided, single submitter. Criteria: LMM Criteria. Collection method: clinical testing. Allele origin: germline. Observed: 1 variant allele.
Comment: Variant classified as Uncertain Significance - Favor Benign. The Phe457Leu varia nt in TMC1 has not been reported in the literature nor previously identified by our laboratory. Computational analyses (PolyPhen2, SIFT, AlignGVGD) provide inco nsistent predictions on the pathogenicity of this variant. In summary, the clini cal significance of this variant cannot be determined with certainty at this tim e.